The following is an entry in ClinVar:

ClinVar aggregate classification (germline): Uncertain significance (1 of 4 stars; one submission).

Submission:

Labcorp Genetics (formerly Invitae), Labcorp
Classification: Uncertain significance. Last evaluated: 2023-11-10. Review status: criteria provided, single submitter. Criteria: Invitae Variant Classification Sherloc (09022015). Collection method: clinical testing. Allele origin: germline.
Comment: This sequence change replaces aspartic acid, which is acidic and polar, with tyrosine, which is neutral and polar, at codon 223 of the PLEKHM2 protein (p.Asp223Tyr). The frequency data for this variant in the population databases is considered unreliable, as metrics indicate poor data quality at this position in the gnomAD database. This variant has not been reported in the literature in individuals affected with PLEKHM2-related conditions. An algorithm developed to predict the effect of missense changes on protein structure and function (PolyPhen-2) suggests that this variant is likely to be disruptive. Algorithms developed to predict the effect of sequence changes on RNA splicing suggest that this variant may disrupt the consensus splice site. In summary, the available evidence is currently insufficient to determine the role of this variant in disease. Therefore, it has been classified as a Variant of Uncertain Significance.

NM_015164.4(PLEKHM2):c.667G>T (p.Asp223Tyr)

Gene: PLEKHM2 (pleckstrin homology and RUN domain containing M2; plus strand). Cytogenetic location: 1p36.21.
Variant type: single nucleotide variant.
Coding change: c.667G>T on transcript NM_015164.4 (MANE Select); coding-DNA position 667, G replaced by T.
Protein change: p.Asp223Tyr; replaces aspartic acid 223 with tyrosine.
Molecular consequence: missense variant. On other transcripts: intron variant (1).
Genome position (GRCh38, 1-based): chr1:15,721,343, G>T. VCF-style: chr1-15721343-G-T. GRCh37 (hg19) VCF-style: chr1-16047838-G-T.
Other names: c.652+1423G>T (NM_001410755.1); short protein forms D223Y.
Identifiers: ClinVar variation 3018567 (VCV003018567.3), dbSNP rs981608101, ClinGen allele CA18293933.